The following is an entry in ClinVar:

ClinVar aggregate classification (germline): Conflicting classifications of pathogenicity. Review status: criteria provided, conflicting classifications (1 of 4 stars). 5 submissions from 5 submitters: Likely pathogenic (1); Uncertain significance (4). Last evaluated 2026-10-22.

Conditions:
Cardioencephalomyopathy, fatal infantile, due to cytochrome c oxidase deficiency 1 (MC4DN2). Also called: CYTOCHROME c OXIDASE DEFICIENCY, FATAL INFANTILE, WITH CARDIOENCEPHALOMYOPATHY; MITOCHONDRIAL COMPLEX IV DEFICIENCY, NUCLEAR TYPE 2. Identifiers: Orphanet 1561, MedGen C5399977, MONDO:0011451, OMIM 604377.
Myopia 6 (MYP6). Identifiers: MedGen C1837148, MONDO:0012154, OMIM 608908.

Allele frequency attached by ClinVar (database versions not stated): TOPMed 0.00009; gnomAD 0.00002.
gnomAD v4.1: 101 of 1,613,682 alleles (0.0063%); highest among the groups gnomAD compares: Non-Finnish European, 0.0081%; no homozygotes.

Submissions (5):

GeneDx
Classification: Uncertain significance. Last evaluated: 2026-10-22. Review status: criteria provided, single submitter. Criteria: GeneDx Variant Classification Process June 2021. Collection method: clinical testing. Allele origin: germline.
Comment: Published functional studies using patient derived fibroblasts suggest this variant may contribute to impairment of mitochondrial function and copper regulation, however additional studies are needed to validate the functional effect of this variant (PMID: 29351582); Reported as compound heterozygous in trans with a second SCO2 variant in an individual with childhood-onset axonal Charcot-Marie-Tooth in published literature (PMID: 29351582); In silico analysis supports that this missense variant has a deleterious effect on protein structure/function; This variant is associated with the following publications: (PMID: 29351582, Lee2024[article], 38644687, 36435678, 36678915, 36157077, 35112411, 38041506)

Fulgent Genetics
Classification: Likely pathogenic for Cardioencephalomyopathy, fatal infantile, due to cytochrome c oxidase deficiency 1; Myopia 6. Last evaluated: 2024-06-18. Review status: criteria provided, single submitter. Criteria: ACMG Guidelines, 2015. Collection method: clinical testing. Allele origin: germline.

Blueprint Genetics
Classification: Uncertain significance. Last evaluated: 2023-03-21. Review status: criteria provided, single submitter. Criteria: ACMG Guidelines, 2015. Collection method: clinical testing. Allele origin: germline.

Labcorp Genetics (formerly Invitae), Labcorp
Classification: Uncertain significance. Last evaluated: 2022-08-23. Review status: criteria provided, single submitter. Criteria: Invitae Variant Classification Sherloc (09022015). Collection method: clinical testing. Allele origin: germline.
Comment: This sequence change replaces arginine, which is basic and polar, with glutamine, which is neutral and polar, at codon 171 of the SCO2 protein (p.Arg171Gln). This variant is present in population databases (rs775173963, gnomAD 0.005%). This missense change has been observed in individual(s) with Charcot-Marie-Tooth disease type 4 (PMID: 29351582). ClinVar contains an entry for this variant (Variation ID: 1029942). Algorithms developed to predict the effect of missense changes on protein structure and function (SIFT, PolyPhen-2, Align-GVGD) all suggest that this variant is likely to be disruptive. Algorithms developed to predict the effect of sequence changes on RNA splicing suggest that this variant may create or strengthen a splice site. In summary, the available evidence is currently insufficient to determine the role of this variant in disease. Therefore, it has been classified as a Variant of Uncertain Significance.

Baylor Genetics
Classification: Uncertain significance for Cardioencephalomyopathy, fatal infantile, due to cytochrome c oxidase deficiency 1. Last evaluated: 2019-09-19. Review status: criteria provided, single submitter. Criteria: ACMG Guidelines, 2015. Collection method: clinical testing. Allele origin: unknown. Affected: yes.
Comment: This variant was determined to be of uncertain significance according to ACMG Guidelines, 2015 [PMID:25741868].

Literature cited by the submitters: PubMed 29351582 (cited by Labcorp Genetics (formerly Invitae), Labcorp).

NM_005138.3(SCO2):c.512G>A (p.Arg171Gln)

Genes: SCO2 (synthesis of cytochrome C oxidase 2; minus strand), NCAPH2 (non-SMC condensin II complex subunit H2; plus strand). Cytogenetic location: 22q13.33.
Variant type: single nucleotide variant.
Coding change: c.512G>A on transcript NM_005138.3 (MANE Select); coding-DNA position 512, G replaced by A.
Protein change: p.Arg171Gln; replaces arginine 171 with glutamine.
Molecular consequence: missense variant. On other transcripts: 3 prime UTR variant (2).
Genome position (GRCh38, 1-based): chr22:50,523,900, C>T on the plus strand (G>A on the coding strand, the complement: SCO2 is on the minus strand). VCF-style: chr22-50523900-C-T. GRCh37 (hg19) VCF-style: chr22-50962329-C-T.
Other names: c.*525C>T (NM_001185011.2, NM_152299.4); c.512G>A, p.Arg171Gln (NM_001169109.2, NM_001169110.1, NM_001169111.2); short protein forms R171Q.
Identifiers: ClinVar variation 1029942 (VCV001029942.9), dbSNP rs775173963, ClinGen allele CA10321185.